The following is an entry in ClinVar:

ClinVar aggregate classification (germline): Uncertain significance. Review status: criteria provided, multiple submitters, no conflicts (2 of 4 stars). 3 submissions from 3 submitters: Uncertain significance (3). Last evaluated 2025-12-30.

Conditions:
Donnai-Barrow syndrome. Also called: DBS/FOAR SYNDROME; FACIOOCULOACOUSTICORENAL SYNDROME. Identifiers: Orphanet 2143, MedGen C1857277, MONDO:0009104, OMIM 222448.

Allele frequency attached by ClinVar (database versions not stated): 1000 Genomes Project 30x 0.00016.
gnomAD v4.1: 46 of 1,614,028 alleles (0.0029%); highest among the groups gnomAD compares: African/African-American, 0.039%; no homozygotes.

Submissions (3):

Labcorp Genetics (formerly Invitae), Labcorp
Classification: Uncertain significance. Last evaluated: 2025-12-30. Review status: criteria provided, single submitter. Criteria: Invitae Variant Classification Sherloc (09022015). Collection method: clinical testing. Allele origin: germline.
Comment: This sequence change replaces proline, which is neutral and non-polar, with leucine, which is neutral and non-polar, at codon 325 of the LRP2 protein (p.Pro325Leu). This variant is present in population databases (rs79877455, gnomAD 0.03%). This variant has not been reported in the literature in individuals affected with LRP2-related conditions. ClinVar contains an entry for this variant (Variation ID: 1427544). An algorithm developed to predict the effect of missense changes on protein structure and function (PolyPhen-2) suggests that this variant is likely to be disruptive. In summary, the available evidence is currently insufficient to determine the role of this variant in disease. Therefore, it has been classified as a Variant of Uncertain Significance.

GeneDx
Classification: Uncertain significance. Last evaluated: 2025-07-09. Review status: criteria provided, single submitter. Criteria: GeneDx Variant Classification Process June 2021. Collection method: clinical testing. Allele origin: germline.
Comment: Observed in an individual with myelomeningocele in published literature; however a second LRP2 variant was not identified (PMID: 33574475); In silico analysis supports that this missense variant has a deleterious effect on protein structure/function; This variant is associated with the following publications: (PMID: 33574475)

Fulgent Genetics
Classification: Uncertain significance for Donnai-Barrow syndrome. Last evaluated: 2024-02-06. Review status: criteria provided, single submitter. Criteria: ACMG Guidelines, 2015. Collection method: clinical testing. Allele origin: germline.

NM_004525.3(LRP2):c.974C>T (p.Pro325Leu)

Gene: LRP2 (LDL receptor related protein 2; minus strand). Cytogenetic location: 2q31.1.
Variant type: single nucleotide variant.
Coding change: c.974C>T on transcript NM_004525.3 (MANE Select); coding-DNA position 974, C replaced by T.
Protein change: p.Pro325Leu; replaces proline 325 with leucine.
Molecular consequence: missense variant.
Genome position (GRCh38, 1-based): chr2:169,289,094, G>A on the plus strand (C>T on the coding strand, the complement: LRP2 is on the minus strand). VCF-style: chr2-169289094-G-A. GRCh37 (hg19) VCF-style: chr2-170145604-G-A.
Other names: c.974C>T (NM_004525.2); short protein forms P325L.
Identifiers: ClinVar variation 1427544 (VCV001427544.9), dbSNP rs79877455, ClinGen allele CA1955693.